The following is an entry in ClinVar:

NM_000081.4(LYST):c.3789A>C (p.Gln1263His)

Gene: LYST (lysosomal trafficking regulator; minus strand). Cytogenetic location: 1q42.3.
Variant type: single nucleotide variant.
Coding change: c.3789A>C on transcript NM_000081.4 (MANE Select); coding-DNA position 3789, A replaced by C.
Protein change: p.Gln1263His; replaces glutamine 1263 with histidine.
Molecular consequence: missense variant.
Genome position (GRCh38, 1-based): chr1:235,801,021, T>G on the plus strand (A>C on the coding strand, the complement: LYST is on the minus strand). VCF-style: chr1-235801021-T-G. GRCh37 (hg19) VCF-style: chr1-235964321-T-G.
Other names: c.3789A>C, p.Gln1263His (NM_001301365.1); short protein forms Q1263H.
Identifiers: ClinVar variation 1443135 (VCV001443135.5), dbSNP rs1429019715, ClinGen allele CA344944217.

ClinVar aggregate classification (germline): Uncertain significance (1 of 4 stars; one submission).

Conditions:
Chédiak-Higashi syndrome (CHS). Also called: Chediak-Higashi Syndrome. Identifiers: Orphanet 167, MedGen C0007965, MONDO:0008963, OMIM 214500.

Submission:

Labcorp Genetics (formerly Invitae), Labcorp
Classification: Uncertain significance for Chédiak-Higashi syndrome. Last evaluated: 2021-10-28. Review status: criteria provided, single submitter. Criteria: Invitae Variant Classification Sherloc (09022015). Collection method: clinical testing. Allele origin: germline.
Comment: In summary, the available evidence is currently insufficient to determine the role of this variant in disease. Therefore, it has been classified as a Variant of Uncertain Significance. Algorithms developed to predict the effect of missense changes on protein structure and function output the following: SIFT: "Tolerated"; PolyPhen-2: "Benign"; Align-GVGD: "Class C0". The histidine amino acid residue is found in multiple mammalian species, which suggests that this missense change does not adversely affect protein function. This variant has not been reported in the literature in individuals affected with LYST-related conditions. This variant is not present in population databases (gnomAD no frequency). This sequence change replaces glutamine, which is neutral and polar, with histidine, which is basic and polar, at codon 1263 of the LYST protein (p.Gln1263His).